The following is an entry in ClinVar:

NM_005422.4(TECTA):c.4162C>T (p.Arg1388Cys)

Genes: TBCEL-TECTA (TBCEL-TECTA readthrough; plus strand), TECTA (tectorin alpha; plus strand). Cytogenetic location: 11q23.3.
Variant type: single nucleotide variant.
Coding change: c.4162C>T on transcript NM_005422.4 (MANE Select); coding-DNA position 4162, C replaced by T.
Protein change: p.Arg1388Cys; replaces arginine 1388 with cysteine.
Molecular consequence: missense variant.
Genome position (GRCh38, 1-based): chr11:121,152,937, C>T. VCF-style: chr11-121152937-C-T. GRCh37 (hg19) VCF-style: chr11-121023646-C-T.
Other names: c.5119C>T, p.Arg1707Cys (NM_001378761.1); c.4162C>T (NM_005422.2); short protein forms R1388C, R1707C.
Identifiers: ClinVar variation 3020249 (VCV003020249.5), dbSNP rs756254142, ClinGen allele CA6327376.

ClinVar aggregate classification (germline): Uncertain significance. Review status: criteria provided, multiple submitters, no conflicts (2 of 4 stars). 3 submissions from 3 submitters: Uncertain significance (3). Last evaluated 2025-12-04.

Conditions:
Inborn genetic diseases. Identifiers: MedGen C0950123, MeSH D030342.

Allele frequency attached by ClinVar (database versions not stated): TOPMed 0.00002; gnomAD 0.00003; ExAC 0.00004; gnomAD exomes 0.00004.
gnomAD v4.1: 72 of 1,612,880 alleles (0.0045%); highest among the groups gnomAD compares: Non-Finnish European, 0.0054%; no homozygotes.

Submissions (3):

Ambry Genetics
Classification: Uncertain significance for Inborn genetic diseases. Last evaluated: 2025-12-04. Review status: criteria provided, single submitter. Criteria: Ambry Variant Classification Scheme 2023. Collection method: clinical testing. Allele origin: germline.

Blueprint Genetics
Classification: Uncertain significance. Last evaluated: 2024-04-16. Review status: criteria provided, single submitter. Criteria: ACMG Guidelines, 2015. Collection method: clinical testing. Allele origin: germline.

Labcorp Genetics (formerly Invitae), Labcorp
Classification: Uncertain significance. Last evaluated: 2023-04-09. Review status: criteria provided, single submitter. Criteria: Invitae Variant Classification Sherloc (09022015). Collection method: clinical testing. Allele origin: germline.
Comment: This sequence change replaces arginine, which is basic and polar, with cysteine, which is neutral and slightly polar, at codon 1388 of the TECTA protein (p.Arg1388Cys). In summary, the available evidence is currently insufficient to determine the role of this variant in disease. Therefore, it has been classified as a Variant of Uncertain Significance. Advanced modeling of protein sequence and biophysical properties (such as structural, functional, and spatial information, amino acid conservation, physicochemical variation, residue mobility, and thermodynamic stability) performed at Invitae indicates that this missense variant is not expected to disrupt TECTA protein function. This variant has not been reported in the literature in individuals affected with TECTA-related conditions. This variant is present in population databases (rs756254142, gnomAD 0.01%).